The following is an entry in ClinVar:

NM_031885.5(BBS2):c.716_717+2del

Gene: BBS2 (Bardet-Biedl syndrome 2; minus strand). Cytogenetic location: 16q13.
Variant type: Deletion.
Coding change: c.716_717+2del on transcript NM_031885.5 (MANE Select); coding-DNA position 716 through the canonical splice donor site of the intron after coding-DNA position 717, 4 bases deleted (AAGT; older notation c.716_717+2delAAGT).
Molecular consequence: splice donor variant.
Genome position (GRCh38, 1-based): chr16:56,506,118-56,506,121, ACTT deleted on the plus strand (AAGT on the coding strand, the reverse complement: BBS2 is on the minus strand). VCF-style (leftmost placement, unchanged base first): chr16-56506117-AACTT-A. GRCh37 (hg19) VCF-style: chr16-56540029-AACTT-A.
Other names: c.716_717+2del (NM_001377456.1).
Identifiers: ClinVar variation 4816294 (VCV004816294.1).

ClinVar aggregate classification (germline): Pathogenic (1 of 4 stars; one submission).

Conditions:
Bardet-Biedl syndrome 2 (BBS2). Identifiers: Orphanet 110, MedGen C2936863, MONDO:0014432, OMIM 615981.

Submission:

Natera, Inc.
Classification: Pathogenic for Bardet-Biedl syndrome type 2. Last evaluated: 2025-08-07. Review status: criteria provided, single submitter. Criteria: Natera Variant Classification Schema (03/2026). Collection method: clinical testing. Allele origin: germline.
Comment: The c.716_717+2del variant in BBS2 is a canonical splice donor site variant predicted to affect pre-mRNA splicing, which may result in an abnormal transcript and altered protein product. This variant is expected to result in nonsense mediated decay, truncation, or a dysfunctional protein product. This variant is rare in the general population with a frequency below the threshold expected for the associated phenotype(s). Another variant at this same site results in an alteration predicted to cause a similar molecular effect has been observed in individual(s) with the associated phenotype. Given the available evidence, this variant is classified as Pathogenic.